The following is an entry in ClinVar:

NM_000051.4(ATM):c.3730A>G (p.Ile1244Val)

Gene: ATM (ATM serine/threonine kinase; plus strand). Cytogenetic location: 11q22.3.
Variant type: single nucleotide variant.
Coding change: c.3730A>G on transcript NM_000051.4 (MANE Select); coding-DNA position 3730, A replaced by G.
Protein change: p.Ile1244Val; replaces isoleucine 1244 with valine.
Molecular consequence: missense variant.
Genome position (GRCh38, 1-based): chr11:108,282,863, A>G. VCF-style: chr11-108282863-A-G. GRCh37 (hg19) VCF-style: chr11-108153590-A-G.
Other names: c.3730A>G, p.Ile1244Val (NM_001351834.2); short protein forms I1244V.
Identifiers: ClinVar variation 1472574 (VCV001472574.8), dbSNP rs2135690906, ClinGen allele CA382523806.

ClinVar aggregate classification (germline): Uncertain significance. Review status: criteria provided, multiple submitters, no conflicts (2 of 4 stars). 2 submissions from 2 submitters: Uncertain significance (2). Last evaluated 2021-10-12.

Conditions:
Hereditary cancer-predisposing syndrome. Also called: Hereditary neoplastic syndrome; Tumor predisposition; Neoplastic Syndromes, Hereditary; Hereditary Cancer Syndrome. Identifiers: Orphanet 140162, MedGen C0027672, MeSH D009386, MONDO:0015356.
Ataxia-telangiectasia syndrome (AT). Also called: ATAXIA-TELANGIECTASIA, COMPLEMENTATION GROUP A; ATAXIA-TELANGIECTASIA, FRESNO VARIANT; LOUIS-BAR SYNDROME; Ataxia-telangiectasia; Cerebello-oculocutaneous telangiectasia; Immunodeficiency with ataxia telangiectasia. Identifiers: Orphanet 100, MedGen C0004135, MONDO:0008840, OMIM 208900.

Submissions (2):

Labcorp Genetics (formerly Invitae), Labcorp
Classification: Uncertain significance for Ataxia-telangiectasia syndrome. Last evaluated: 2021-10-12. Review status: criteria provided, single submitter. Criteria: Invitae Variant Classification Sherloc (09022015). Collection method: clinical testing. Allele origin: germline.
Comment: In summary, the available evidence is currently insufficient to determine the role of this variant in disease. Therefore, it has been classified as a Variant of Uncertain Significance. Advanced modeling of protein sequence and biophysical properties (such as structural, functional, and spatial information, amino acid conservation, physicochemical variation, residue mobility, and thermodynamic stability) performed at Invitae indicates that this missense variant is not expected to disrupt ATM protein function. This variant has not been reported in the literature in individuals affected with ATM-related conditions. This variant is not present in population databases (ExAC no frequency). This sequence change replaces isoleucine with valine at codon 1244 of the ATM protein (p.Ile1244Val). The isoleucine residue is weakly conserved and there is a small physicochemical difference between isoleucine and valine.

Ambry Genetics
Classification: Uncertain significance for Hereditary cancer-predisposing syndrome. Last evaluated: 2021-03-29. Review status: criteria provided, single submitter. Criteria: Ambry Variant Classification Scheme 2023. Collection method: clinical testing. Allele origin: germline.
Comment: The p.I1244V variant (also known as c.3730A>G), located in coding exon 24 of the ATM gene, results from an A to G substitution at nucleotide position 3730. The isoleucine at codon 1244 is replaced by valine, an amino acid with highly similar properties. This amino acid position is poorly conserved in available vertebrate species. In addition, this alteration is predicted to be tolerated by in silico analysis. Since supporting evidence is limited at this time, the clinical significance of this alteration remains unclear.